The following is an entry in ClinVar:

ClinVar aggregate classification (germline): Uncertain significance. Review status: criteria provided, multiple submitters, no conflicts (2 of 4 stars). 2 submissions from 2 submitters: Uncertain significance (2). Last evaluated 2026-03-01.

Conditions:
Osteogenesis imperfecta type I (OI1). Also called: Lobstein disease; OI, TYPE I; OSTEOGENESIS IMPERFECTA TARDA; OSTEOGENESIS IMPERFECTA WITH BLUE SCLERAE; Osteogenesis imperfecta type 1; Lobstein's Disease. Identifiers: Orphanet 216796, Orphanet 666, MedGen C0023931, MONDO:0008146, OMIM 166200. Disease mechanism: loss of function.
Cardiovascular phenotype. Identifiers: MedGen CN230736.

gnomAD v4.1: 12 of 1,596,278 alleles (0.00075%); highest among the groups gnomAD compares: African/African-American, 0.0027%; no homozygotes.

Submissions (2):

Ambry Genetics
Classification: Uncertain significance for Cardiovascular phenotype. Last evaluated: 2026-03-01. Review status: criteria provided, single submitter. Criteria: Ambry Variant Classification Scheme 2023. Collection method: clinical testing. Allele origin: germline.
Comment: The p.A1087T variant (also known as c.3259G>A), located in coding exon 44 of the COL1A1 gene, results from a G to A substitution at nucleotide position 3259. The alanine at codon 1087 is replaced by threonine, an amino acid with similar properties. This amino acid position is conserved. In addition, the in silico prediction for this alteration is inconclusive. Based on the available evidence, the clinical significance of this variant remains unclear.

Labcorp Genetics (formerly Invitae), Labcorp
Classification: Uncertain significance for Osteogenesis imperfecta type I. Last evaluated: 2024-05-24. Review status: criteria provided, single submitter. Criteria: Invitae Variant Classification Sherloc (09022015). Collection method: clinical testing. Allele origin: germline.
Comment: This sequence change replaces alanine, which is neutral and non-polar, with threonine, which is neutral and polar, at codon 1087 of the COL1A1 protein (p.Ala1087Thr). The frequency data for this variant in the population databases is considered unreliable, as metrics indicate poor data quality at this position in the gnomAD database. This variant has not been reported in the literature in individuals affected with COL1A1-related conditions. Algorithms developed to predict the effect of missense changes on protein structure and function output the following: SIFT: "Not Available"; PolyPhen-2: "Not Available"; Align-GVGD: "Not Available". The threonine amino acid residue is found in multiple mammalian species, which suggests that this missense change does not adversely affect protein function. In summary, the available evidence is currently insufficient to determine the role of this variant in disease. Therefore, it has been classified as a Variant of Uncertain Significance.

NM_000088.4(COL1A1):c.3259G>A (p.Ala1087Thr)

Gene: COL1A1 (collagen type I alpha 1 chain; minus strand). Cytogenetic location: 17q21.33.
Variant type: single nucleotide variant.
Coding change: c.3259G>A on transcript NM_000088.4 (MANE Select); coding-DNA position 3259, G replaced by A.
Protein change: p.Ala1087Thr; replaces alanine 1087 with threonine.
Molecular consequence: missense variant.
Genome position (GRCh38, 1-based): chr17:50,188,098, C>T on the plus strand (G>A on the coding strand, the complement: COL1A1 is on the minus strand). VCF-style: chr17-50188098-C-T. GRCh37 (hg19) VCF-style: chr17-48265459-C-T.
Other names: short protein forms A1087T.
Identifiers: ClinVar variation 3669735 (VCV003669735.3).
Genomic context (GRCh38, chr17:50,188,098, plus strand): 5'-GGGCACTGTCTGCATCTGTAGAGTTCTAAAGGCATGGGGGACACAGCAGGGTACTTACGG[C>T]GGGGCCACGGGCGCCAACAGGGCCGACAGGACCGGCGGGACCAGCAGGACCCTGGGGAGA-3'
Protein context (NP_000079.2, residues 1077-1097): PVGPVGARGP[Ala1087Thr]GPQGPRGDKG